The following is an entry in ClinVar:

ClinVar aggregate classification (germline): Uncertain significance. Review status: criteria provided, multiple submitters, no conflicts (2 of 4 stars). 2 submissions from 2 submitters: Uncertain significance (2). Last evaluated 2025-10-01.

Conditions:
Inborn genetic diseases. Identifiers: MedGen C0950123, MeSH D030342.
Short-rib thoracic dysplasia 11 with or without polydactyly (SRTD11). Also called: SHORT-RIB THORACIC DYSPLASIA 11 WITHOUT POLYDACTYLY. Identifiers: Orphanet 474, Orphanet 93271, MedGen C3810200, MONDO:0014287, OMIM 615633.

Allele frequency attached by ClinVar (database versions not stated): gnomAD 0.00008; ExAC 0.00006; TOPMed 0.00008.
gnomAD v4.1: 13 of 1,487,958 alleles (0.00087%); highest among the groups gnomAD compares: African/African-American, 0.018%; no homozygotes.

Submissions (2):

Ambry Genetics
Classification: Uncertain significance for Inborn genetic diseases. Last evaluated: 2025-10-01. Review status: criteria provided, single submitter. Criteria: Ambry Variant Classification Scheme 2023. Collection method: clinical testing. Allele origin: germline.

Labcorp Genetics (formerly Invitae), Labcorp
Classification: Uncertain significance for Short-rib thoracic dysplasia 11 with or without polydactyly. Last evaluated: 2022-08-02. Review status: criteria provided, single submitter. Criteria: Invitae Variant Classification Sherloc (09022015). Collection method: clinical testing. Allele origin: germline.
Comment: This variant is present in population databases (rs747529704, gnomAD 0.05%). In summary, the available evidence is currently insufficient to determine the role of this variant in disease. Therefore, it has been classified as a Variant of Uncertain Significance. Algorithms developed to predict the effect of missense changes on protein structure and function (SIFT, PolyPhen-2, Align-GVGD) all suggest that this variant is likely to be tolerated. This variant has not been reported in the literature in individuals affected with WDR34-related conditions. This sequence change replaces alanine, which is neutral and non-polar, with glycine, which is neutral and non-polar, at codon 13 of the WDR34 protein (p.Ala13Gly).

NM_052844.4(DYNC2I2):c.38C>G (p.Ala13Gly)

Gene: DYNC2I2 (dynein 2 intermediate chain 2; minus strand). Cytogenetic location: 9q34.11.
Variant type: single nucleotide variant.
Coding change: c.38C>G on transcript NM_052844.4 (MANE Select); coding-DNA position 38, C replaced by G.
Protein change: p.Ala13Gly; replaces alanine 13 with glycine.
Molecular consequence: missense variant.
Genome position (GRCh38, 1-based): chr9:128,656,689, G>C on the plus strand (C>G on the coding strand, the complement: DYNC2I2 is on the minus strand). VCF-style: chr9-128656689-G-C. GRCh37 (hg19) VCF-style: chr9-131418968-G-C.
Other names: c.38C>G (NM_052844.3); short protein forms A13G.
Identifiers: ClinVar variation 2198601 (VCV002198601.3), dbSNP rs747529704, ClinGen allele CA5266761.